The following is an entry in ClinVar:

NM_000153.4(GALC):c.1460C>T (p.Pro487Leu)

Gene: GALC (galactosylceramidase; minus strand). Cytogenetic location: 14q31.3.
Variant type: single nucleotide variant.
Coding change: c.1460C>T on transcript NM_000153.4 (MANE Select); coding-DNA position 1460, C replaced by T.
Protein change: p.Pro487Leu; replaces proline 487 with leucine.
Molecular consequence: missense variant.
Genome position (GRCh38, 1-based): chr14:87,947,757, G>A on the plus strand (C>T on the coding strand, the complement: GALC is on the minus strand). VCF-style: chr14-87947757-G-A. GRCh37 (hg19) VCF-style: chr14-88414101-G-A.
Other names: c.1391C>T, p.Pro464Leu (NM_001201401.2); c.1382C>T, p.Pro461Leu (NM_001201402.2); short protein forms P461L, P464L, P487L.
Identifiers: ClinVar variation 2147564 (VCV002147564.4), dbSNP rs1056412903, ClinGen allele CA264685596.
Genomic context (GRCh38, chr14:87,947,757, plus strand): 5'-ACCAAGTTAAGTTTTAGTGAAAAATACTCACCAACATTGAAATCATCCTTATAGGTACTT[G>A]GGAAGGGCTGGGATTTTGGAGGAAGCGGGTAGCTGCCTTTGCGACCAGTGGTGAGAGTGG-3'
Protein context (NP_000144.2, residues 477-497): YPLPPKSQPF[Pro487Leu]STYKDDFNVD

ClinVar aggregate classification (germline): Uncertain significance (1 of 4 stars; one submission).

Conditions:
Galactosylceramide beta-galactosidase deficiency. Also called: Leukodystrophy, Globoid Cell; GALACTOCEREBROSIDASE DEFICIENCY; GALC DEFICIENCY; GLOBOID CELL LEUKOENCEPHALOPATHY; Krabbe Disease. Identifiers: Orphanet 487, MedGen C0023521, MONDO:0009499, OMIM 245200.

Submission:

Labcorp Genetics (formerly Invitae), Labcorp
Classification: Uncertain significance for Galactosylceramide beta-galactosidase deficiency. Last evaluated: 2025-04-28. Review status: criteria provided, single submitter. Criteria: Invitae Variant Classification Sherloc (09022015). Collection method: clinical testing. Allele origin: germline.
Comment: This sequence change replaces proline, which is neutral and non-polar, with leucine, which is neutral and non-polar, at codon 487 of the GALC protein (p.Pro487Leu). This variant is not present in population databases (gnomAD no frequency). This variant has not been reported in the literature in individuals affected with GALC-related conditions. ClinVar contains an entry for this variant (Variation ID: 2147564). Invitae Evidence Modeling of protein sequence and biophysical properties (such as structural, functional, and spatial information, amino acid conservation, physicochemical variation, residue mobility, and thermodynamic stability) indicates that this missense variant is expected to disrupt GALC protein function with a positive predictive value of 95%. In summary, the available evidence is currently insufficient to determine the role of this variant in disease. Therefore, it has been classified as a Variant of Uncertain Significance.